The following is an entry in ClinVar:

NM_017636.4(TRPM4):c.3368C>A (p.Thr1123Lys)

Gene: TRPM4 (transient receptor potential cation channel subfamily M member 4; plus strand). Cytogenetic location: 19q13.33.
Variant type: single nucleotide variant.
Coding change: c.3368C>A on transcript NM_017636.4 (MANE Select); coding-DNA position 3368, C replaced by A.
Protein change: p.Thr1123Lys; replaces threonine 1123 with lysine.
Molecular consequence: missense variant.
Genome position (GRCh38, 1-based): chr19:49,210,749, C>A. VCF-style: chr19-49210749-C-A. GRCh37 (hg19) VCF-style: chr19-49714006-C-A.
Other names: c.2933C>A, p.Thr978Lys (NM_001195227.2); c.3023C>A, p.Thr1008Lys (NM_001321281.2); c.1760C>A, p.Thr587Lys (NM_001321282.2); c.2846C>A, p.Thr949Lys (NM_001321283.2); c.2306C>A, p.Thr769Lys (NM_001321285.2); short protein forms T1123K, T769K, T978K, T1008K, T587K, T949K.
Identifiers: ClinVar variation 2563503 (VCV002563503.3), dbSNP rs376758817, ClinGen allele CA406773005.
Genomic context (GRCh38, chr19:49,210,749, plus strand): 5'-TGACTCCGCCCGCCCCTGCAGGGGTTTACCTTTCTAAGGAAGCCGAGCGGAAGCTGCTAA[C>A]GTGGGAATCGGTGCATAAGGAGAACTTTCTGCTGGCACGCGCTAGGGACAAGCGGGAGAG-3'
Protein context (NP_060106.2, residues 1113-1133): LSKEAERKLL[Thr1123Lys]WESVHKENFL

ClinVar aggregate classification (germline): Uncertain significance (1 of 4 stars; one submission).

Conditions:
Cardiovascular phenotype. Identifiers: MedGen CN230736.

Submission:

Ambry Genetics
Classification: Uncertain significance for Cardiovascular phenotype. Last evaluated: 2025-07-28. Review status: criteria provided, single submitter. Criteria: Ambry Variant Classification Scheme 2023. Collection method: clinical testing. Allele origin: germline.
Comment: The p.T1123K variant (also known as c.3368C>A), located in coding exon 22 of the TRPM4 gene, results from a C to A substitution at nucleotide position 3368. The threonine at codon 1123 is replaced by lysine, an amino acid with similar properties. This amino acid position is conserved. In addition, the in silico prediction for this alteration is inconclusive. Since supporting evidence is limited at this time, the clinical significance of this alteration remains unclear.